The following is an entry in ClinVar:

NM_024665.7(TBL1XR1):c.374A>C (p.Lys125Thr)

Gene: TBL1XR1 (TBL1X/Y related 1; minus strand). Cytogenetic location: 3q26.32.
Variant type: single nucleotide variant.
Coding change: c.374A>C on transcript NM_024665.7 (MANE Select); coding-DNA position 374, A replaced by C.
Protein change: p.Lys125Thr; replaces lysine 125 with threonine.
Molecular consequence: missense variant.
Genome position (GRCh38, 1-based): chr3:177,051,557, T>G on the plus strand (A>C on the coding strand, the complement: TBL1XR1 is on the minus strand). VCF-style: chr3-177051557-T-G. GRCh37 (hg19) VCF-style: chr3-176769345-T-G.
Other names: c.374A>C, p.Lys125Thr (NM_001321193.3, NM_001321194.3, NM_001374327.1 and 2 more transcripts); c.113A>C, p.Lys38Thr (NM_001321195.3, NM_001374330.1); short protein forms K125T, K38T.
Identifiers: ClinVar variation 4801768 (VCV004801768.1).

ClinVar aggregate classification (germline): Uncertain significance (1 of 4 stars; one submission).

Conditions:
Pierpont syndrome (PRPTS). Identifiers: Orphanet 487825, MedGen C1865644, MONDO:0011213, OMIM 602342.

Submission:

Labcorp Genetics (formerly Invitae), Labcorp
Classification: Uncertain significance for Pierpont syndrome. Last evaluated: 2025-10-23. Review status: criteria provided, single submitter. Criteria: Invitae Variant Classification Sherloc (09022015). Collection method: clinical testing. Allele origin: germline.
Comment: This sequence change replaces lysine, which is basic and polar, with threonine, which is neutral and polar, at codon 125 of the TBL1XR1 protein (p.Lys125Thr). This variant is not present in population databases (gnomAD no frequency). This variant has not been reported in the literature in individuals affected with TBL1XR1-related conditions. Invitae Evidence Modeling of protein sequence and biophysical properties (such as structural, functional, and spatial information, amino acid conservation, physicochemical variation, residue mobility, and thermodynamic stability) indicates that this missense variant is not expected to disrupt TBL1XR1 protein function with a negative predictive value of 95%. In summary, the available evidence is currently insufficient to determine the role of this variant in disease. Therefore, it has been classified as a Variant of Uncertain Significance.